The following is an entry in ClinVar:

NM_014233.4(UBTF):c.1163C>T (p.Thr388Ile)

Genes: ATXN7L3-AS1 (ATXN7L3 antisense RNA 1; plus strand), UBTF (upstream binding transcription factor; minus strand), LOC121587595 (Sharpr-MPRA regulatory region 7848; plus strand). Cytogenetic location: 17q21.31.
Variant type: single nucleotide variant.
Coding change: c.1163C>T on transcript NM_014233.4 (MANE Select); coding-DNA position 1163, C replaced by T.
Protein change: p.Thr388Ile; replaces threonine 388 with isoleucine.
Molecular consequence: missense variant. On other transcripts: non-coding transcript variant (1).
Genome position (GRCh38, 1-based): chr17:44,211,079, G>A on the plus strand (C>T on the coding strand, the complement: UBTF is on the minus strand). VCF-style: chr17-44211079-G-A. GRCh37 (hg19) VCF-style: chr17-42288447-G-A.
Other names: c.1052C>T, p.Thr351Ile (NM_001076683.2, NM_001076684.3); short protein forms T351I, T388I.
Identifiers: ClinVar variation 3341442 (VCV003341442.1).
Genomic context (GRCh38, chr17:44,211,079, plus strand): 5'-CGGCCGCACCCTCTGCCCACCTTGCCCCCTTCCTGGGCTGGCTTCTTGGAGGCGGGGCTG[G>A]TGGCCTGCTTCTTGTTGATGTTCAGCATCTTCTCTTCCCCCAAGACCCGCTGCTGCTCCT-3'
Protein context (NP_055048.1, residues 378-398): KMLNINKKQA[Thr388Ile]SPASKKPAQE

ClinVar aggregate classification (germline): Uncertain significance (1 of 4 stars; one submission).

Conditions:
Childhood-onset motor and cognitive regression syndrome with extrapyramidal movement disorder. Also called: NEURODEGENERATION, CHILDHOOD-ONSET, WITH BRAIN ATROPHY. Identifiers: Orphanet 500180, MedGen C4540086, MONDO:0044701, OMIM 617672.

gnomAD v4.1: 3 of 1,612,906 alleles (0.00019%); highest among the groups gnomAD compares: Non-Finnish European, 0.00025%; no homozygotes.

Submission:

Neuberg Centre For Genomic Medicine, NCGM
Classification: Uncertain significance for Childhood-onset motor and cognitive regression syndrome with extrapyramidal movement disorder. Last evaluated: 2023-05-20. Review status: criteria provided, single submitter. Criteria: ACMG Guidelines, 2015. Collection method: clinical testing. Allele origin: germline. Inheritance: Autosomal dominant inheritance. Affected: yes.
Comment: The observed missense variant c.1163C>T (p.Thr388Ile) in UBTF gene has not been reported previously as a pathogenic variant nor as a benign variant, to our knowledge. The p.Thr388Ile variant is absent in gnomAD Exomes. This variant has not been submitted to the ClinVar database. Multiple lines of computational evidence (Polyphen - Probably damaging, SIFT - Tolerated and Mutation Taster - Disease causing) predicts conflicting evidence on protein structure and function for this variant. The amino acid change p.Thr388Ile in UBTF is predicted as conserved by GERP++ and PhyloP across 100 vertebrates. The amino acid Thr at position 388 is changed to a Ile changing protein sequence and it might alter its composition and physico-chemical properties. For these reasons, this variant has been classified as Variant of Uncertain Significance (VUS).